The following is an entry in ClinVar:

NM_001161352.2(KCNMA1):c.3643C>T (p.Arg1215Ter)

Gene: KCNMA1 (potassium calcium-activated channel subfamily M alpha 1; minus strand). Cytogenetic location: 10q22.3.
Variant type: single nucleotide variant.
Coding change: c.3643C>T on transcript NM_001161352.2 (MANE Select); coding-DNA position 3643, C replaced by T.
Protein change: p.Arg1215Ter; replaces arginine 1215 with a stop codon.
Molecular consequence: nonsense.
Genome position (GRCh38, 1-based): chr10:76,887,334, G>A on the plus strand (C>T on the coding strand, the complement: KCNMA1 is on the minus strand). VCF-style: chr10-76887334-G-A. GRCh37 (hg19) VCF-style: chr10-78647092-G-A.
Other names: c.3481C>T, p.Arg1161Ter (NM_001014797.3); c.3592C>T, p.Arg1198Ter (NM_001161353.2); c.3319C>T, p.Arg1107Ter (NM_001271518.2); c.3559C>T, p.Arg1187Ter (NM_001271519.2); c.3478C>T, p.Arg1160Ter (NM_001322829.2, NM_001322836.2); c.3571C>T, p.Arg1191Ter (NM_001322830.2); c.3469C>T, p.Arg1157Ter (NM_001322832.2, NM_002247.4); c.3562C>T, p.Arg1188Ter (NM_001322835.2, NM_001322837.2); and 1 more; short protein forms R1107*, R1157*, R1191*, R1160*, R1188*, R1198*, R1215*, R1006*.
Identifiers: ClinVar variation 954720 (VCV000954720.9), dbSNP rs769151229, ClinGen allele CA5567798.

ClinVar aggregate classification (germline): Uncertain significance. Review status: criteria provided, multiple submitters, no conflicts (2 of 4 stars). 2 submissions from 2 submitters: Uncertain significance (2). Last evaluated 2024-12-27.

Conditions:
KCNMA1-related disorder. Also called: KCNMA1-related disorders; KCNMA1-related condition.
Generalized epilepsy-paroxysmal dyskinesia syndrome (PNKD3). Also called: Generalized epilepsy and paroxysmal dyskinesia; Paroxysmal nonkinesigenic dyskinesia, 3, with or without generalized epilepsy. Identifiers: Orphanet 79137, MedGen C5574945, MONDO:0012276, OMIM 609446.

Allele frequency attached by ClinVar (database versions not stated): gnomAD exomes below 0.00001; ExAC 0.00001.

Submissions (2):

PreventionGenetics, part of Exact Sciences
Classification: Uncertain significance for KCNMA1-related condition. Last evaluated: 2024-12-27. Review status: criteria provided, single submitter. Criteria: ACMG Guidelines, 2015. Collection method: clinical testing. Allele origin: germline.
Comment: The KCNMA1 c.3469C>T variant is predicted to result in premature protein termination (p.Arg1157*). This variant falls within the terminal exon of KCNMA1 and is predicted to truncate the protein coding sequence by 21 amino acids. To our knowledge, this variant has not been reported in the literature. This variant is reported in 0.00088% of alleles in individuals of European (Non-Finnish) descent in gnomAD. Although we suspect that this variant may be pathogenic, at this time, the clinical significance of this variant is uncertain due to the absence of conclusive functional and genetic evidence.

Labcorp Genetics (formerly Invitae), Labcorp
Classification: Uncertain significance for Generalized epilepsy-paroxysmal dyskinesia syndrome. Last evaluated: 2024-03-06. Review status: criteria provided, single submitter. Criteria: Invitae Variant Classification Sherloc (09022015). Collection method: clinical testing. Allele origin: germline.
Comment: This sequence change creates a premature translational stop signal (p.Arg1157*) in the KCNMA1 gene. While this is not anticipated to result in nonsense mediated decay, it is expected to disrupt the last 22 amino acid(s) of the KCNMA1 protein. This variant is present in population databases (rs769151229, gnomAD 0.0009%). This variant has not been reported in the literature in individuals affected with KCNMA1-related conditions. ClinVar contains an entry for this variant (Variation ID: 954720). In summary, the available evidence is currently insufficient to determine the role of this variant in disease. Therefore, it has been classified as a Variant of Uncertain Significance.